The following is an entry in ClinVar:

ClinVar aggregate classification (germline): Likely pathogenic (1 of 4 stars; one submission).

Conditions:
Pelizaeus-Merzbacher disease. Also called: LEUKODYSTROPHY, HYPOMYELINATING, 1; Sudanophilic leukodystrophy; Pelizaeus-Merzbacher spectrum disorder; Pelizaeus-Merzbacher Disease (PMD); Pelizeaus-Merzbacher spectrum disorder. Identifiers: Orphanet 702, MedGen C0205711, MONDO:0010714, OMIM 312080, HP:0003269.

Submission:

Molecular Diagnostics Lab, Nemours Children's Health, Delaware
Classification: Likely pathogenic for Pelizaeus-Merzbacher disease. Last evaluated: 2021-02-24. Review status: criteria provided, single submitter. Criteria: ACMG Guidelines, 2015. Collection method: clinical testing. Allele origin: maternal, unknown. Inheritance: X-linked inheritance. Affected: yes and no. Observed: 1 heterozygote, 1 hemizygote.
Comment: This missense variant (c.151T>G, p.Phe51Val) has not been observed in population databases (gnomAD). It has been described in the literature (PMID 29619283, PMID 12601703). Variant prediction programs suggest a deleterious effect on the PLP1 protein, but no functional studies have been published.

Literature cited by the submitters: PubMed 29619238; PubMed 12601703; PubMed 11093273.

NM_000533.5(PLP1):c.151T>G (p.Phe51Val)

Genes: PLP1 (proteolipid protein 1; plus strand), RAB9B (RAB9B, member RAS oncogene family; minus strand). Cytogenetic location: Xq22.2.
Variant type: single nucleotide variant.
Coding change: c.151T>G on transcript NM_000533.5 (MANE Select); coding-DNA position 151, T replaced by G.
Protein change: p.Phe51Val; replaces phenylalanine 51 with valine.
Molecular consequence: missense variant. On other transcripts: intron variant (1).
Genome position (GRCh38, 1-based): chrX:103,785,728, T>G. VCF-style: chrX-103785728-T-G. GRCh37 (hg19) VCF-style: chrX-103040657-T-G.
Other names: c.151T>G, p.Phe51Val (NM_001128834.3, NM_199478.3); c.5-19T>G (NM_001305004.1); short protein forms F51V.
Identifiers: ClinVar variation 3255404 (VCV003255404.2), dbSNP rs2522301757.
Genomic context (GRCh38, chrX:103,785,728, plus strand): 5'-CTGTTCTGTGGCTGTGGACATGAAGCCCTCACTGGCACAGAAAAGCTAATTGAGACCTAT[T>G]TCTCCAAAAACTACCAAGACTATGAGTATCTCATCAATGTGTAAGTACCTGCCCTCCCAC-3'
Protein context (NP_000524.3, residues 41-61): TGTEKLIETY[Phe51Val]SKNYQDYEYL